The following is an entry in ClinVar:

NM_001851.6(COL9A1):c.781-89T>C

Gene: COL9A1 (collagen type IX alpha 1 chain; minus strand). Cytogenetic location: 6q13.
Variant type: single nucleotide variant.
Coding change: c.781-89T>C on transcript NM_001851.6 (MANE Select); 89 bases into the intron before coding-DNA position 781, T replaced by C.
Molecular consequence: intron variant. On other transcripts: synonymous variant (3), non-coding transcript variant (1).
Genome position (GRCh38, 1-based): chr6:70,283,007, A>G on the plus strand (T>C on the coding strand, the complement: COL9A1 is on the minus strand). VCF-style: chr6-70283007-A-G. GRCh37 (hg19) VCF-style: chr6-70992710-A-G.
Other names: c.46T>C, p.Leu16= (NM_001377289.1, NM_001377290.1, NM_078485.4); c.781-89T>C (NM_001377291.1).
Identifiers: ClinVar variation 4083974 (VCV004083974.9).
Genomic context (GRCh38, chr6:70,283,007, plus strand): 5'-AGAAAAGCACCCCTCAAACTCGATCGCAACTTACTTGAGCCGCGCACAAGCAGAGCCCCA[A>G]CAGCAGCAGCCCCAGGGCCCCGCGGTCCCGCGCAGTCCAGGCCATGCCCGCCGCCCGCCG-3'

ClinVar aggregate classification (germline): Likely benign. Review status: criteria provided, multiple submitters, no conflicts (2 of 4 stars). 2 submissions from 2 submitters: Likely benign (2). Last evaluated 2025-08-01.

gnomAD v4.1: 13 of 1,612,948 alleles (0.00081%); highest among the groups gnomAD compares: African/African-American, 0.0093%; no homozygotes.

Submissions (2):

CeGaT Center for Human Genetics Tuebingen
Classification: Likely benign. Last evaluated: 2025-08-01. Review status: criteria provided, single submitter. Criteria: CeGaT Center For Human Genetics Tuebingen Variant Classification Criteria Version 2. Collection method: clinical testing. Allele origin: germline. Affected: yes. Observed: 1 variant allele.
Comment: COL9A1: BP4, BP7

Blueprint Genetics
Classification: Likely benign. Last evaluated: 2024-05-27. Review status: criteria provided, single submitter. Criteria: ACMG Guidelines, 2015. Collection method: clinical testing. Allele origin: germline.